The following is an entry in ClinVar:

NM_002474.3(MYH11):c.5053T>C (p.Leu1685=)

Genes: MYH11 (myosin heavy chain 11; minus strand), NDE1 (nudE neurodevelopment protein 1; plus strand). Cytogenetic location: 16p13.11.
Variant type: single nucleotide variant.
Coding change: c.5053T>C on transcript NM_002474.3 (MANE Select); coding-DNA position 5053, T replaced by C.
Protein change: p.Leu1685=; no amino-acid change (leucine 1685 retained).
Molecular consequence: synonymous variant. On other transcripts: intron variant (2).
Genome position (GRCh38, 1-based): chr16:15,719,614, A>G on the plus strand (T>C on the coding strand, the complement: MYH11 is on the minus strand). VCF-style: chr16-15719614-A-G. GRCh37 (hg19) VCF-style: chr16-15813471-A-G.
Other names: c.5074T>C, p.Leu1692= (NM_001040113.2, NM_001040114.2); c.5053T>C, p.Leu1685= (NM_022844.3); c.948-4577A>G (NM_001143979.2, NM_017668.3).
Identifiers: ClinVar variation 386769 (VCV000386769.11), dbSNP rs1057522597, ClinGen allele CA16607116.

ClinVar aggregate classification (germline): Likely benign. Review status: criteria provided, multiple submitters, no conflicts (2 of 4 stars). 6 submissions from 6 submitters: Likely benign (6). Last evaluated 2025-07-14.

Conditions:
Aortic aneurysm, familial thoracic 4 (AAT4). Also called: AORTIC ANEURYSM/AORTIC DISSECTION AND PATENT DUCTUS ARTERIOSUS. Identifiers: MedGen C1851504, MONDO:0007568, OMIM 132900.
Familial thoracic aortic aneurysm and aortic dissection (TAAD). Also called: Thoracic aortic aneurysms and dissections. Identifiers: Orphanet 91387, MedGen C4707243, MONDO:0019625.

Allele frequency attached by ClinVar (database versions not stated): gnomAD exomes below 0.00001; gnomAD 0.00001.
gnomAD v4.1: 4 of 1,614,032 alleles (0.00025%); highest among the groups gnomAD compares: East Asian, 0.0022%; no homozygotes.

Submissions (6):

Labcorp Genetics (formerly Invitae), Labcorp
Classification: Likely benign for Aortic aneurysm, familial thoracic 4. Last evaluated: 2025-07-14. Review status: criteria provided, single submitter. Criteria: Invitae Variant Classification Sherloc (09022015). Collection method: clinical testing. Allele origin: germline.

All of Us Research Program, National Institutes of Health
Classification: Likely benign for Familial thoracic aortic aneurysm and aortic dissection. Last evaluated: 2024-05-30. Review status: criteria provided, single submitter. Criteria: ACMG Guidelines, 2015. Collection method: clinical testing. Allele origin: germline. Inheritance: Autosomal dominant inheritance. Observed: 2 variant alleles, 2 heterozygotes.
Comment: This study involves interpretation of variants in research participants for the purpose of population health screening. Participant phenotype was not available at the time of variant classification. Additional details can be found in publication PMID: 35346344, PMCID: PMC8962531

Blueprint Genetics
Classification: Likely benign. Last evaluated: 2023-10-24. Review status: criteria provided, single submitter. Criteria: ACMG Guidelines, 2015. Collection method: clinical testing. Allele origin: germline.

CHEO Genetics Diagnostic Laboratory, Children's Hospital of Eastern Ontario
Classification: Likely benign for Familial thoracic aortic aneurysm and aortic dissection. Last evaluated: 2023-06-07. Review status: criteria provided, single submitter. Criteria: ACMG Guidelines, 2015. Collection method: clinical testing. Allele origin: germline.

Ambry Genetics
Classification: Likely benign for Familial thoracic aortic aneurysm and aortic dissection. Last evaluated: 2022-07-06. Review status: criteria provided, single submitter. Criteria: Ambry Variant Classification Scheme 2023. Collection method: clinical testing. Allele origin: germline.

GeneDx
Classification: Likely benign. Last evaluated: 2016-06-06. Review status: criteria provided, single submitter. Criteria: GeneDx Variant Classification (06012015). Collection method: clinical testing. Allele origin: germline. Affected: yes.
Comment: This variant is considered likely benign or benign based on one or more of the following criteria: it is a conservative change, it occurs at a poorly conserved position in the protein, it is predicted to be benign by multiple in silico algorithms, and/or has population frequency not consistent with disease.